The following is an entry in ClinVar:

ClinVar aggregate classification (germline): Likely pathogenic (1 of 4 stars; one submission).

Conditions:
Schimke immuno-osseous dysplasia (SIOD). Also called: Schimke Immunoosseous Dysplasia. Identifiers: Orphanet 1830, MedGen C0877024, MONDO:0009458, OMIM 242900.

Submission:

Natera, Inc.
Classification: Likely pathogenic for Schimke immuno-osseous dysplasia. Last evaluated: 2025-10-25. Review status: criteria provided, single submitter. Criteria: Natera Variant Classification Schema (03/2026). Collection method: clinical testing. Allele origin: germline.
Comment: The c.1147+2_1147+3del variant in SMARCAL1 is a canonical splice donor site variant predicted to affect pre-mRNA splicing, which may result in an abnormal transcript and altered protein product. This variant may result in a truncated or dysfunctional protein product. This variant is rare in the general population with a frequency below the threshold expected for the associated phenotype(s). This variant has been observed in one or more individuals affected with the associated recessive disease, as either homozygous or compound heterozygous with a second variant (PMID: 11799392). This variant has been found together with another disease-causing variant in the same copy of the gene (PMID: 15523612, 22998683). Given the available evidence, this variant is classified as Likely Pathogenic.

Literature cited by the submitters: PubMed 11799392; PubMed 15523612; PubMed 22998683.

NM_014140.4(SMARCAL1):c.1147+2_1147+3del

Gene: SMARCAL1 (SNF2 related chromatin remodeling annealing helicase 1; plus strand). Cytogenetic location: 2q35.
Variant type: Deletion.
Coding change: c.1147+2_1147+3del on transcript NM_014140.4 (MANE Select); the canonical splice donor site of the intron after coding-DNA position 1147 through 3 bases into the intron after coding-DNA position 1147, 2 bases deleted (TG; older notation c.1147+2_1147+3delTG).
Molecular consequence: splice donor variant.
Genome position (GRCh38, 1-based): chr2:216,423,685-216,423,686, TG deleted; deleting any 2 consecutive bases within chr2:216,423,684-216,423,686 gives the same sequence; the c. name uses the placement nearest the transcript's 3' end. VCF-style (leftmost placement, unchanged base first): chr2-216423683-AGT-A. GRCh37 (hg19) VCF-style: chr2-217288406-AGT-A.
Other names: c.1147+2_1147+3del (NM_001127207.2).
Identifiers: ClinVar variation 4061933 (VCV004061933.2).
Genomic context (GRCh38, chr2:216,423,683, plus strand): 5'-GTCATTGCAGATGTCAAGACCAGGAAGTGGAGCTTTCTCTTGGAAGAGCACAGTAAACTA[AGT>A]GAGAAGCCTTCCTTACTTGTTTTATATCATGCTATTGTTAAGCTTTAATAATTCACCTTA-3'